The following is an entry in ClinVar:

ClinVar aggregate classification (germline): Uncertain significance. Review status: criteria provided, multiple submitters, no conflicts (2 of 4 stars). 2 submissions from 2 submitters: Uncertain significance (2). Last evaluated 2025-11-05.

Conditions:
Familial cancer of breast. Also called: Hereditary breast cancer; hereditary breast carcinoma; BREAST CANCER, FAMILIAL. Identifiers: Orphanet 227535, MedGen C0346153, MONDO:0016419, OMIM 114480. Disease mechanism: loss of function.
Fanconi anemia complementation group J. Also called: BRIP1-Related Fanconi Anemia. Identifiers: Orphanet 84, MedGen C1836860, MONDO:0012187, OMIM 609054.

Submissions (2):

Labcorp Genetics (formerly Invitae), Labcorp
Classification: Uncertain significance for Familial cancer of breast; Fanconi anemia complementation group J. Last evaluated: 2025-11-05. Review status: criteria provided, single submitter. Criteria: Invitae Variant Classification Sherloc (09022015). Collection method: clinical testing. Allele origin: germline.
Comment: This sequence change replaces serine, which is neutral and polar, with tyrosine, which is neutral and polar, at codon 986 of the BRIP1 protein (p.Ser986Tyr). This variant is not present in population databases (gnomAD no frequency). This variant has not been reported in the literature in individuals affected with BRIP1-related conditions. ClinVar contains an entry for this variant (Variation ID: 1318715). Invitae Evidence Modeling of protein sequence and biophysical properties (such as structural, functional, and spatial information, amino acid conservation, physicochemical variation, residue mobility, and thermodynamic stability) has been performed for this missense variant. However, the output from this modeling did not meet the statistical confidence thresholds required to predict the impact of this variant on BRIP1 protein function. In summary, the available evidence is currently insufficient to determine the role of this variant in disease. Therefore, it has been classified as a Variant of Uncertain Significance.

GeneDx
Classification: Uncertain significance. Last evaluated: 2019-07-24. Review status: criteria provided, single submitter. Criteria: GeneDx Variant Classification Process June 2021. Collection method: clinical testing. Allele origin: germline. Affected: yes.
Comment: Not observed in large population cohorts (Lek et al., 2016); In silico analysis, which includes protein predictors and evolutionary conservation, supports that this variant does not alter protein structure/function; Has not been previously published as pathogenic or benign to our knowledge

NM_032043.3(BRIP1):c.2957C>A (p.Ser986Tyr)

Gene: BRIP1 (BRCA1 interacting DNA helicase 1; minus strand). Cytogenetic location: 17q23.2.
Variant type: single nucleotide variant.
Coding change: c.2957C>A on transcript NM_032043.3 (MANE Select); coding-DNA position 2957, C replaced by A.
Protein change: p.Ser986Tyr; replaces serine 986 with tyrosine.
Molecular consequence: missense variant.
Genome position (GRCh38, 1-based): chr17:61,684,089, G>T on the plus strand (C>A on the coding strand, the complement: BRIP1 is on the minus strand). VCF-style: chr17-61684089-G-T. GRCh37 (hg19) VCF-style: chr17-59761450-G-T.
Other names: short protein forms S986Y.
Identifiers: ClinVar variation 1318715 (VCV001318715.3), dbSNP rs182087528, ClinGen allele CA400480665.